The following is an entry in ClinVar:

ClinVar aggregate classification (germline): Uncertain significance (1 of 4 stars; one submission).

Conditions:
Hajdu-Cheney syndrome (HJCYS). Also called: ACROOSTEOLYSIS WITH OSTEOPOROSIS AND CHANGES IN SKULL AND MANDIBLE; Acroosteolysis dominant type; SERPENTINE FIBULA-POLYCYSTIC KIDNEY SYNDROME. Identifiers: Orphanet 955, MedGen C0917715, MONDO:0007057, OMIM 102500.

gnomAD v4.1: 2 of 1,614,170 alleles (0.00012%); highest among the groups gnomAD compares: Non-Finnish European, 0.00017%; no homozygotes.

Submission:

Labcorp Genetics (formerly Invitae), Labcorp
Classification: Uncertain significance for Hajdu-Cheney syndrome. Last evaluated: 2024-08-22. Review status: criteria provided, single submitter. Criteria: Invitae Variant Classification Sherloc (09022015). Collection method: clinical testing. Allele origin: germline.
Comment: This sequence change replaces glycine, which is neutral and non-polar, with valine, which is neutral and non-polar, at codon 1437 of the NOTCH2 protein (p.Gly1437Val). This variant is not present in population databases (gnomAD no frequency). This variant has not been reported in the literature in individuals affected with NOTCH2-related conditions. Invitae Evidence Modeling of protein sequence and biophysical properties (such as structural, functional, and spatial information, amino acid conservation, physicochemical variation, residue mobility, and thermodynamic stability) indicates that this missense variant is not expected to disrupt NOTCH2 protein function with a negative predictive value of 80%. In summary, the available evidence is currently insufficient to determine the role of this variant in disease. Therefore, it has been classified as a Variant of Uncertain Significance.

NM_024408.4(NOTCH2):c.4310G>T (p.Gly1437Val)

Gene: NOTCH2 (notch receptor 2; minus strand). Cytogenetic location: 1p12.
Variant type: single nucleotide variant.
Coding change: c.4310G>T on transcript NM_024408.4 (MANE Select); coding-DNA position 4310, G replaced by T.
Protein change: p.Gly1437Val; replaces glycine 1437 with valine.
Molecular consequence: missense variant.
Genome position (GRCh38, 1-based): chr1:119,925,506, C>A on the plus strand (G>T on the coding strand, the complement: NOTCH2 is on the minus strand). VCF-style: chr1-119925506-C-A. GRCh37 (hg19) VCF-style: chr1-120468129-C-A.
Other names: short protein forms G1437V.
Identifiers: ClinVar variation 3663235 (VCV003663235.2).
Genomic context (GRCh38, chr1:119,925,506, plus strand): 5'-AGAGAACAGTCACCCCCATCCCACTGGCAGGCATGGCTGTTGCAGGCCTCATCACAGACG[C>A]CATCCCGAGCTTTGTCGGCACAATACTGGCTCAGACAGGTGGCAGGAGGGGTGCTGGGGG-3'
Protein context (NP_077719.2, residues 1427-1447): SQYCADKARD[Gly1437Val]VCDEACNSHA